The following is an entry in ClinVar:

ClinVar aggregate classification (germline): Benign. Review status: criteria provided, single submitter (1 of 4 stars). 2 submissions from 2 submitters: Benign (1). 1 of the submissions does not count toward it. Last evaluated 2025-12-30.

Conditions:
MYH7B-related disorder. Also called: MYH7B-related condition.

Allele frequency attached by ClinVar (database versions not stated): gnomAD exomes 0.00025 and 0.00070; ExAC 0.00082; gnomAD 0.00261 and 0.00281; ESP Exome Variant Server 0.00273; TOPMed 0.00314; 1000 Genomes Project 0.00339; 1000 Genomes Project 30x 0.00359.
gnomAD v4.1: 779 of 1,612,648 alleles (0.048%); highest among the groups gnomAD compares: African/African-American, 0.92%; 2 homozygotes.

Submissions (2):

Labcorp Genetics (formerly Invitae), Labcorp
Classification: Benign. Last evaluated: 2025-12-30. Review status: criteria provided, single submitter. Criteria: Invitae Variant Classification Sherloc (09022015). Collection method: clinical testing. Allele origin: germline.

PreventionGenetics, part of Exact Sciences
Classification: Likely benign for MYH7B-related condition. Last evaluated: 2024-08-28. Review status: no assertion criteria provided. Collection method: clinical testing. Allele origin: germline. Not counted in ClinVar's aggregate classification.
Comment: This variant is classified as likely benign based on ACMG/AMP sequence variant interpretation guidelines (Richards et al. 2015 PMID: 25741868, with internal and published modifications).

NM_020884.7(MYH7B):c.649-7G>A

Gene: MYH7B (myosin heavy chain 7B; plus strand). Cytogenetic location: 20q11.22.
Variant type: single nucleotide variant.
Coding change: c.649-7G>A on transcript NM_020884.7 (MANE Select); 7 bases into the intron before coding-DNA position 649, G replaced by A.
Molecular consequence: intron variant.
Genome position (GRCh38, 1-based): chr20:34,984,847, G>A. VCF-style: chr20-34984847-G-A. GRCh37 (hg19) VCF-style: chr20-33572650-G-A.
Identifiers: ClinVar variation 735750 (VCV000735750.10), dbSNP rs188454413, ClinGen allele CA9826590.